The following is an entry in ClinVar:

ClinVar aggregate classification (germline): Benign. Review status: criteria provided, multiple submitters, no conflicts (2 of 4 stars). 15 submissions from 15 submitters: Benign (11). 4 of the submissions do not count toward it. Last evaluated 2026-02-04.

Conditions:
Inborn genetic diseases. Identifiers: MedGen C0950123, MeSH D030342.
Cortical dysplasia-focal epilepsy syndrome (PTHSL1). Also called: Pitt-Hopkins-like syndrome 1. Identifiers: Orphanet 163681, Orphanet 221150, MedGen C2750246, MONDO:0012400, OMIM 610042.

Allele frequency attached by ClinVar (database versions not stated): gnomAD exomes 0.50201 and 0.56167; ExAC 0.54066; 1000 Genomes Project 30x 0.54841; 1000 Genomes Project 0.54912; TOPMed 0.54968; gnomAD 0.57506 and 0.57563; ESP Exome Variant Server 0.58504.
gnomAD v4.1: 900,135 of 1,600,224 alleles (56%); highest among the groups gnomAD compares: African/African-American, 66%; 258,631 homozygotes.

Submissions (16):

Labcorp Genetics (formerly Invitae), Labcorp
Classification: Benign for Cortical dysplasia-focal epilepsy syndrome. Last evaluated: 2026-02-04. Review status: criteria provided, single submitter. Criteria: Invitae Variant Classification Sherloc (09022015). Collection method: clinical testing. Allele origin: germline.

Blueprint Genetics
Classification: Benign. Last evaluated: 2024-11-27. Review status: criteria provided, single submitter. Criteria: ACMG Guidelines, 2015. Collection method: clinical testing. Allele origin: germline.

Genome-Nilou Lab
Classification: Benign for Cortical dysplasia-focal epilepsy syndrome. Last evaluated: 2021-07-22. Review status: criteria provided, single submitter. Criteria: ACMG Guidelines, 2015. Collection method: clinical testing. Allele origin: germline. Affected: no.

Mayo Clinic Laboratories, Mayo Clinic
Classification: Benign. Last evaluated: 2018-04-02. Review status: criteria provided, single submitter. Criteria: ACMG Guidelines, 2015. Collection method: clinical testing. Allele origin: germline. Observed: 441 variant alleles.

Illumina Laboratory Services, Illumina
Classification: Benign for Cortical dysplasia-focal epilepsy syndrome. Last evaluated: 2018-01-13. Review status: criteria provided, single submitter. Criteria: ICSL Variant Classification Criteria 13 December 2019. Collection method: clinical testing. Allele origin: germline.
Comment: This variant was observed in the ICSL laboratory as part of a predisposition screen in an ostensibly healthy population. It had not been previously curated by ICSL or reported in the Human Gene Mutation Database (HGMD: prior to June 1st, 2018), and was therefore a candidate for classification through an automated scoring system. Utilizing variant allele frequency, disease prevalence and penetrance estimates, and inheritance mode, an automated score was calculated to assess if this variant is too frequent to cause the disease. Based on the score and internal cut-off values, a variant classified as benign is not then subjected to further curation. The score for this variant resulted in a classification of benign for this disease.

Athena Diagnostics
Classification: Benign for Cortical dysplasia-focal epilepsy syndrome. Last evaluated: 2017-04-28. Review status: criteria provided, single submitter. Criteria: Athena Diagnostics Criteria. Collection method: clinical testing. Allele origin: germline.

Ambry Genetics
Classification: Benign for Inborn genetic diseases. Last evaluated: 2016-01-08. Review status: criteria provided, single submitter. Criteria: Ambry Variant Classification Scheme 2023. Collection method: clinical testing. Allele origin: germline.

GeneDx
Classification: Benign. Last evaluated: 2015-03-03. Review status: criteria provided, single submitter. Criteria: GeneDx Variant Classification Process June 2021. Collection method: clinical testing. Allele origin: germline. Affected: yes.

Eurofins Ntd Llc (ga)
Classification: Benign. Last evaluated: 2013-05-17. Review status: criteria provided, single submitter. Criteria: EGL Classification Definitions 2015. Collection method: clinical testing. Allele origin: germline. Observed: 16 variant alleles, 6 heterozygotes, 10 homozygotes.

Breakthrough Genomics
Classification: Benign. Review status: criteria provided, single submitter. Criteria: ACMG Guidelines, 2015. Collection method: not provided. Allele origin: germline. Inheritance: Autosomal recessive inheritance. Affected: yes.

PreventionGenetics, part of Exact Sciences
Classification: Benign. Review status: criteria provided, single submitter. Criteria: ACMG Guidelines, 2015. Collection method: clinical testing. Allele origin: germline.

Clinical Genetics DNA and cytogenetics Diagnostics Lab, Erasmus MC, Erasmus Medical Center
Classification: Benign. Review status: no assertion criteria provided. Collection method: clinical testing. Allele origin: germline. Affected: yes. Study: VKGL Data-share Consensus. Not counted in ClinVar's aggregate classification.

Diagnostic Laboratory, Department of Genetics, University Medical Center Groningen
Classification: Benign. Review status: no assertion criteria provided. Collection method: clinical testing. Allele origin: germline. Affected: yes. Study: VKGL Data-share Consensus. Not counted in ClinVar's aggregate classification.

Dr. Peter K. Rogan Lab, Western University
No classification provided (evidence only). Condition: Familial cancer of breast. Review status: no classification provided. Collection method: in vitro. Allele origin: not applicable. Functional consequence: retained intron. Not counted in ClinVar's aggregate classification.

Genetic Services Laboratory, University of Chicago
Classification: Likely benign for AllHighlyPenetrant. Review status: no assertion criteria provided. Collection method: clinical testing. Allele origin: germline. Inheritance: Autosomal recessive inheritance. Not counted in ClinVar's aggregate classification.
Comment: Likely benign based on allele frequency in 1000 Genomes Project or ESP global frequency and its presence in a patient with a rare or unrelated disease phenotype. NOT Sanger confirmed.

Genome Diagnostics Laboratory, University Medical Center Utrecht
Classification: Benign. Review status: no assertion criteria provided. Collection method: clinical testing. Allele origin: germline. Affected: yes. Study: VKGL Data-share Consensus. Not counted in ClinVar's aggregate classification.

NM_014141.6(CNTNAP2):c.3723G>A (p.Ala1241=)

Gene: CNTNAP2 (contactin associated protein 2; plus strand). Cytogenetic location: 7q36.1.
Variant type: single nucleotide variant.
Coding change: c.3723G>A on transcript NM_014141.6 (MANE Select); coding-DNA position 3723, G replaced by A.
Protein change: p.Ala1241=; no amino-acid change (alanine 1241 retained).
Molecular consequence: synonymous variant.
Genome position (GRCh38, 1-based): chr7:148,409,398, G>A. VCF-style: chr7-148409398-G-A. GRCh37 (hg19) VCF-style: chr7-148106490-G-A.
Other names: p.Ala1241=.
Identifiers: ClinVar variation 95573 (VCV000095573.38), dbSNP rs9648691, ClinGen allele CA148627.
Genomic context (GRCh38, chr7:148,409,398, plus strand): 5'-TTGGGATCAATAGTATACTTGACTCTGACACTTGACTCTTTCTTTCTCTACAGCCAGTGC[G>A]GATTTTCCATATAATCCAGGACAAGGCCAAGCTATAAGAAATGGAGTCAACAGAAACTCG-3'
Protein context (NP_054860.1, residues 1231-1251): WHLDHLDSAS[Ala1241=]DFPYNPGQGQ